The following is an entry in ClinVar:

ClinVar aggregate classification (germline): Conflicting classifications of pathogenicity. Review status: criteria provided, conflicting classifications (1 of 4 stars). 5 submissions from 5 submitters: Uncertain significance (1); Benign (1); Likely benign (2). 1 of the submissions does not count toward it. Last evaluated 2026-03-01.

Conditions:
Rabin-Pappas syndrome. Identifiers: MedGen C5774269, MONDO:0859331, OMIM 620155.
Intellectual developmental disorder, autosomal dominant 70. Identifiers: MedGen C5774271, MONDO:0859333, OMIM 620157.
Luscan-Lumish syndrome. Identifiers: Orphanet 597738, MedGen C4085873, MONDO:0014791, OMIM 616831.
Inborn genetic diseases. Identifiers: MedGen C0950123, MeSH D030342.
SETD2-related disorder.

Allele frequency attached by ClinVar (database versions not stated): gnomAD exomes 0.00003 and 0.00008; ExAC 0.00004; gnomAD 0.00033 and 0.00035; 1000 Genomes Project 30x 0.00047; TOPMed 0.00037; 1000 Genomes Project 0.00040.
gnomAD v4.1: 98 of 1,551,252 alleles (0.0063%); highest among the groups gnomAD compares: African/African-American, 0.12%; no homozygotes.

Submissions (5):

CeGaT Center for Human Genetics Tuebingen
Classification: Likely benign. Last evaluated: 2026-03-01. Review status: criteria provided, single submitter. Criteria: CeGaT Center For Human Genetics Tuebingen Variant Classification Criteria Version 2. Collection method: clinical testing. Allele origin: germline. Affected: yes. Observed: 2 variant alleles.
Comment: SETD2: BP4, BS1

Ambry Genetics
Classification: Likely benign for Inborn genetic diseases. Last evaluated: 2024-10-09. Review status: criteria provided, single submitter. Criteria: Ambry Variant Classification Scheme 2023. Collection method: clinical testing. Allele origin: germline.

Labcorp Genetics (formerly Invitae), Labcorp
Classification: Benign for Luscan-Lumish syndrome. Last evaluated: 2022-11-10. Review status: criteria provided, single submitter. Criteria: Invitae Variant Classification Sherloc (09022015). Collection method: clinical testing. Allele origin: germline.

Center for Genomics, Ann and Robert H. Lurie Children's Hospital of Chicago
Classification: Uncertain significance for Luscan-Lumish syndrome; Intellectual developmental disorder, autosomal dominant 70; Rabin-Pappas syndrome. Review status: criteria provided, single submitter. Criteria: ACMG Guidelines, 2015. Collection method: clinical testing. Allele origin: germline.
Comment: This variant has not been reported in the literature but is present in the Genome Aggregation Database (Highest reported MAF 0.1% (46/41454). This variant is present in ClinVar (Variation ID:475534). Evolutionary conservation and computational predictive tools suggest that this variant may not impact the protein. In summary, data on this variant is insufficient for disease classification. Therefore, the clinical significance of this variant is uncertain.

PreventionGenetics, part of Exact Sciences
Classification: Likely benign for SETD2-related condition. Last evaluated: 2019-04-01. Review status: no assertion criteria provided. Collection method: clinical testing. Allele origin: germline. Not counted in ClinVar's aggregate classification.
Comment: This variant is classified as likely benign based on ACMG/AMP sequence variant interpretation guidelines (Richards et al. 2015 PMID: 25741868, with internal and published modifications).

NM_014159.7(SETD2):c.664C>A (p.Leu222Ile)

Gene: SETD2 (SET domain containing 2, histone lysine methyltransferase; minus strand). Cytogenetic location: 3p21.31.
Variant type: single nucleotide variant.
Coding change: c.664C>A on transcript NM_014159.7 (MANE Select); coding-DNA position 664, C replaced by A.
Protein change: p.Leu222Ile; replaces leucine 222 with isoleucine.
Molecular consequence: missense variant. On other transcripts: non-coding transcript variant (1).
Genome position (GRCh38, 1-based): chr3:47,123,972, G>T on the plus strand (C>A on the coding strand, the complement: SETD2 is on the minus strand). VCF-style: chr3-47123972-G-T. GRCh37 (hg19) VCF-style: chr3-47165462-G-T.
Other names: c.532C>A, p.Leu178Ile (NM_001349370.3); short protein forms L222I, L178I.
Identifiers: ClinVar variation 475534 (VCV000475534.20), dbSNP rs192262279, ClinGen allele CA2363732.